The following is an entry in ClinVar:

ClinVar aggregate classification (germline): Uncertain significance (1 of 4 stars; one submission).

Conditions:
Cardiovascular phenotype. Identifiers: MedGen CN230736.

Submission:

Ambry Genetics
Classification: Uncertain significance for Cardiovascular phenotype. Last evaluated: 2024-12-20. Review status: criteria provided, single submitter. Criteria: Ambry Variant Classification Scheme 2023. Collection method: clinical testing. Allele origin: germline.
Comment: The p.D168G variant (also known as c.503A>G), located in coding exon 7 of the TNNI3 gene, results from an A to G substitution at nucleotide position 503. The aspartic acid at codon 168 is replaced by glycine, an amino acid with similar properties. This amino acid position is highly conserved in available vertebrate species. In addition, this alteration is predicted to be deleterious by in silico analysis. Based on the available evidence, the clinical significance of this variant remains unclear.

NM_000363.5(TNNI3):c.503A>G (p.Asp168Gly)

Gene: TNNI3 (troponin I3, cardiac type; minus strand). Cytogenetic location: 19q13.42.
Variant type: single nucleotide variant.
Coding change: c.503A>G on transcript NM_000363.5 (MANE Select); coding-DNA position 503, A replaced by G.
Protein change: p.Asp168Gly; replaces aspartic acid 168 with glycine.
Molecular consequence: missense variant.
Genome position (GRCh38, 1-based): chr19:55,154,076, T>C on the plus strand (A>G on the coding strand, the complement: TNNI3 is on the minus strand). VCF-style: chr19-55154076-T-C. GRCh37 (hg19) VCF-style: chr19-55665444-T-C.
Other names: short protein forms D168G.
Identifiers: ClinVar variation 3809042 (VCV003809042.1).